The following is an entry in ClinVar:

NM_205836.3(FBXO38):c.3152C>T (p.Thr1051Ile)

Gene: FBXO38 (F-box protein 38; plus strand). Cytogenetic location: 5q32.
Variant type: single nucleotide variant.
Coding change: c.3152C>T on transcript NM_205836.3 (MANE Select); coding-DNA position 3152, C replaced by T.
Protein change: p.Thr1051Ile; replaces threonine 1051 with isoleucine.
Molecular consequence: missense variant.
Genome position (GRCh38, 1-based): chr5:148,439,774, C>T. VCF-style: chr5-148439774-C-T. GRCh37 (hg19) VCF-style: chr5-147819337-C-T.
Other names: c.2417C>T, p.Thr806Ile (NM_001271723.2); c.2927C>T, p.Thr976Ile (NM_030793.5); short protein forms T976I, T806I, T1051I.
Identifiers: ClinVar variation 1913201 (VCV001913201.5), dbSNP rs745486539, ClinGen allele CA3497672.

ClinVar aggregate classification (germline): Uncertain significance (1 of 4 stars; one submission).

Conditions:
Distal hereditary motor neuropathy type 2. Identifiers: Orphanet 139525, MedGen C3711384, MeSH C580044, MONDO:0015352.

Allele frequency attached by ClinVar (database versions not stated): gnomAD exomes below 0.00001; ExAC 0.00001.
gnomAD v4.1: 2 of 1,614,010 alleles (0.00012%); highest among the groups gnomAD compares: Non-Finnish European, 0.00017%; no homozygotes.

Submission:

Labcorp Genetics (formerly Invitae), Labcorp
Classification: Uncertain significance for Distal hereditary motor neuropathy type 2. Last evaluated: 2022-10-11. Review status: criteria provided, single submitter. Criteria: Invitae Variant Classification Sherloc (09022015). Collection method: clinical testing. Allele origin: germline.
Comment: This sequence change replaces threonine, which is neutral and polar, with isoleucine, which is neutral and non-polar, at codon 976 of the FBXO38 protein (p.Thr976Ile). In summary, the available evidence is currently insufficient to determine the role of this variant in disease. Therefore, it has been classified as a Variant of Uncertain Significance. Algorithms developed to predict the effect of missense changes on protein structure and function are either unavailable or do not agree on the potential impact of this missense change (SIFT: "Deleterious"; PolyPhen-2: "Probably Damaging"; Align-GVGD: "Class C0"). This variant has not been reported in the literature in individuals affected with FBXO38-related conditions. This variant is present in population databases (rs745486539, gnomAD 0.0009%).